The following is an entry in ClinVar:

ClinVar aggregate classification (germline): Uncertain significance. Review status: criteria provided, multiple submitters, no conflicts (2 of 4 stars). 2 submissions from 2 submitters: Uncertain significance (2). Last evaluated 2024-09-23.

Allele frequency attached by ClinVar (database versions not stated): gnomAD exomes below 0.00001.
gnomAD v4.1: 2 of 1,613,662 alleles (0.00012%); highest among the groups gnomAD compares: South Asian, 0.0011%; no homozygotes.

Submissions (2):

Ambry Genetics
Classification: Uncertain significance. Last evaluated: 2024-09-23. Review status: criteria provided, single submitter. Criteria: Ambry Variant Classification Scheme 2023. Collection method: clinical testing. Allele origin: germline.
Comment: The p.C144Y variant (also known as c.431G>A), located in coding exon 5 of the FAM175A gene, results from a G to A substitution at nucleotide position 431. The cysteine at codon 144 is replaced by tyrosine, an amino acid with highly dissimilar properties. This amino acid position is conserved. In addition, this alteration is predicted to be tolerated by in silico analysis. Since supporting evidence is limited at this time, the clinical significance of this alteration remains unclear.

Labcorp Genetics (formerly Invitae), Labcorp
Classification: Uncertain significance. Last evaluated: 2022-09-24. Review status: criteria provided, single submitter. Criteria: Invitae Variant Classification Sherloc (09022015). Collection method: clinical testing. Allele origin: germline.
Comment: This sequence change replaces cysteine, which is neutral and slightly polar, with tyrosine, which is neutral and polar, at codon 144 of the ABRAXAS1 protein (p.Cys144Tyr). This variant is present in population databases (no rsID available, gnomAD 0.007%). This variant has not been reported in the literature in individuals affected with ABRAXAS1-related conditions. Advanced modeling of protein sequence and biophysical properties (such as structural, functional, and spatial information, amino acid conservation, physicochemical variation, residue mobility, and thermodynamic stability) performed at Invitae indicates that this missense variant is not expected to disrupt ABRAXAS1 protein function. In summary, the available evidence is currently insufficient to determine the role of this variant in disease. Therefore, it has been classified as a Variant of Uncertain Significance.

NM_139076.3(ABRAXAS1):c.431G>A (p.Cys144Tyr)

Gene: ABRAXAS1 (abraxas 1, BRCA1 A complex subunit; minus strand). Cytogenetic location: 4q21.23.
Variant type: single nucleotide variant.
Coding change: c.431G>A on transcript NM_139076.3 (MANE Select); coding-DNA position 431, G replaced by A.
Protein change: p.Cys144Tyr; replaces cysteine 144 with tyrosine.
Molecular consequence: missense variant.
Genome position (GRCh38, 1-based): chr4:83,470,248, C>T on the plus strand (G>A on the coding strand, the complement: ABRAXAS1 is on the minus strand). VCF-style: chr4-83470248-C-T. GRCh37 (hg19) VCF-style: chr4-84391401-C-T.
Other names: c.104G>A, p.Cys35Tyr (NM_001345962.2); short protein forms C144Y, C35Y.
Identifiers: ClinVar variation 1799683 (VCV001799683.8), dbSNP rs1412096015, ClinGen allele CA357259757.
Genomic context (GRCh38, chr4:83,470,248, plus strand): 5'-CTGGCCAACATTTACCCTTTTTGAGGTTTATATAAGGAATGTTCCAGTCGATGAGTAGAG[C>T]AGCTTTCTGTTATTATACTTGGTGTTAATAGCAGAAAAACAAGGTCTTGGTTTGAAAAAT-3'
Protein context (NP_620775.2, residues 134-154): LLTPSIITES[Cys144Tyr]STHRLEHSLY